The following is an entry in ClinVar:

ClinVar aggregate classification (germline): Pathogenic. Review status: criteria provided, multiple submitters, no conflicts (2 of 4 stars). 2 submissions from 2 submitters: Pathogenic (2). Last evaluated 2024-08-07.

Conditions:
Autosomal recessive spinocerebellar ataxia 10. Identifiers: Orphanet 284289, MedGen C3150998, MONDO:0013392, OMIM 613728.

Allele frequency attached by ClinVar (database versions not stated): ExAC 0.00002; gnomAD 0.00001.
gnomAD v4.1: 10 of 1,614,008 alleles (0.00062%); highest among the groups gnomAD compares: South Asian, 0.0088%; 1 homozygote.

Submissions (2):

Myriad Genetics, Inc.
Classification: Pathogenic for Autosomal recessive spinocerebellar ataxia 10. Last evaluated: 2024-08-07. Review status: criteria provided, single submitter. Criteria: Myriad Autosomal Dominant, Autosomal Recessive and X-Linked Classification Criteria (2023). Collection method: clinical testing. Allele origin: unknown.
Comment: NM_018075.3(ANO10):c.1132C>T(R378*) is expected to be pathogenic in the context of spinocerebellar ataxia, ANO10-related. This variant is predicted to lead to an abnormal or absent protein product due to the creation of a premature termination codon in ANO10, a gene where loss-of-function variants are known to be pathogenic. Please note: this variant was assessed in the context of healthy population screening.

Labcorp Genetics (formerly Invitae), Labcorp
Classification: Pathogenic. Last evaluated: 2024-02-07. Review status: criteria provided, single submitter. Criteria: Invitae Variant Classification Sherloc (09022015). Collection method: clinical testing. Allele origin: germline.
Comment: This sequence change creates a premature translational stop signal (p.Arg378*) in the ANO10 gene. It is expected to result in an absent or disrupted protein product. Loss-of-function variants in ANO10 are known to be pathogenic (PMID: 25089919). This variant is present in population databases (rs773121159, gnomAD 0.01%). This variant has not been reported in the literature in individuals affected with ANO10-related conditions. For these reasons, this variant has been classified as Pathogenic.

Literature cited by the submitters: PubMed 25089919 (cited by Labcorp Genetics (formerly Invitae), Labcorp).

NM_018075.5(ANO10):c.1132C>T (p.Arg378Ter)

Gene: ANO10 (anoctamin 10; minus strand). Cytogenetic location: 3p22.1.
Variant type: single nucleotide variant.
Coding change: c.1132C>T on transcript NM_018075.5 (MANE Select); coding-DNA position 1132, C replaced by T.
Protein change: p.Arg378Ter; replaces arginine 378 with a stop codon.
Molecular consequence: nonsense. On other transcripts: intron variant (1).
Genome position (GRCh38, 1-based): chr3:43,576,722, G>A on the plus strand (C>T on the coding strand, the complement: ANO10 is on the minus strand). VCF-style: chr3-43576722-G-A. GRCh37 (hg19) VCF-style: chr3-43618214-G-A.
Other names: c.1132C>T, p.Arg378Ter (NM_001204831.3, NM_001346463.2, NM_001346464.2 and 3 more transcripts); c.934C>T, p.Arg312Ter (NM_001204832.3, NM_001346466.2, NM_001346469.2); c.799C>T, p.Arg267Ter (NM_001204833.3); c.593-1858C>T (NM_001204834.3); short protein forms R378*, R312*, R267*.
Identifiers: ClinVar variation 2957244 (VCV002957244.4), dbSNP rs773121159, ClinGen allele CA2340884.
Genomic context (GRCh38, chr3:43,576,722, plus strand): 5'-AAGACGTGAATATAAAGCCTCAAGTCTTACCCCATGAAGTTAAAAACTCGGCAGCATATC[G>A]ATAGAGACGATTCATGATCTCAATCACAATGGCATAGATGATGCTGGGCACATACAACAG-3'